The following is an entry in ClinVar:

ClinVar aggregate classification (germline): Pathogenic (1 of 4 stars; one submission).

Submission:

Labcorp Genetics (formerly Invitae), Labcorp
Classification: Pathogenic. Last evaluated: 2021-02-01. Review status: criteria provided, single submitter. Criteria: Invitae Variant Classification Sherloc (09022015). Collection method: clinical testing. Allele origin: germline.
Comment: For these reasons, this variant has been classified as Pathogenic. This variant has not been reported in the literature in individuals with HPS1-related conditions. This variant is not present in population databases (ExAC no frequency). This sequence change creates a premature translational stop signal (p.Gln624*) in the HPS1 gene. It is expected to result in an absent or disrupted protein product. Loss-of-function variants in HPS1 are known to be pathogenic (PMID: 12442288, 16185271).

Literature cited by the submitters: PubMed 12442288; PubMed 16185271.

NM_000195.5(HPS1):c.1870C>T (p.Gln624Ter)

Gene: HPS1 (HPS1 biogenesis of lysosomal organelles complex 3 subunit 1; minus strand). Cytogenetic location: 10q24.2.
Variant type: single nucleotide variant.
Coding change: c.1870C>T on transcript NM_000195.5 (MANE Select); coding-DNA position 1870, C replaced by T.
Protein change: p.Gln624Ter; replaces glutamine 624 with a stop codon.
Molecular consequence: nonsense.
Genome position (GRCh38, 1-based): chr10:98,418,245, G>A on the plus strand (C>T on the coding strand, the complement: HPS1 is on the minus strand). VCF-style: chr10-98418245-G-A. GRCh37 (hg19) VCF-style: chr10-100178002-G-A.
Other names: c.898C>T, p.Gln300Ter (NM_001311345.2, NM_001322487.2, NM_001322489.2); c.1870C>T, p.Gln624Ter (NM_001322476.2, NM_001322477.2); c.1771C>T, p.Gln591Ter (NM_001322478.2, NM_001322479.2); c.1609C>T, p.Gln537Ter (NM_001322480.2, NM_001322481.2); c.1510C>T, p.Gln504Ter (NM_001322482.2); c.1501C>T, p.Gln501Ter (NM_001322483.2, NM_001322484.2); c.1402C>T, p.Gln468Ter (NM_001322485.2); short protein forms Q624*, Q468*, Q504*, Q300*, Q501*, Q537*, Q591*.
Identifiers: ClinVar variation 1448353 (VCV001448353.6), dbSNP rs2136084314, ClinGen allele CA378043092.